The following is an entry in ClinVar:

NM_005422.4(TECTA):c.888G>A (p.Glu296=)

Genes: TBCEL-TECTA (TBCEL-TECTA readthrough; plus strand), TECTA (tectorin alpha; plus strand). Cytogenetic location: 11q23.3.
Variant type: single nucleotide variant.
Coding change: c.888G>A on transcript NM_005422.4 (MANE Select); coding-DNA position 888, G replaced by A.
Protein change: p.Glu296=; no amino-acid change (glutamic acid 296 retained).
Molecular consequence: synonymous variant.
Genome position (GRCh38, 1-based): chr11:121,118,403, G>A. VCF-style: chr11-121118403-G-A. GRCh37 (hg19) VCF-style: chr11-120989112-G-A.
Other names: c.1845G>A, p.Glu615= (NM_001378761.1).
Identifiers: ClinVar variation 228004 (VCV000228004.5), dbSNP rs876657588, ClinGen allele CA10576833.

ClinVar aggregate classification (germline): Likely benign (1 of 4 stars; one submission).

Submission:

Laboratory for Molecular Medicine, Mass General Brigham Personalized Medicine
Classification: Likely benign. Last evaluated: 2015-11-25. Review status: criteria provided, single submitter. Criteria: LMM Criteria. Collection method: clinical testing. Allele origin: germline. Observed: 1 variant allele.
Comment: p.Glu296Glu in exon 6 of TECTA: This variant is not expected to have clinical si gnificance because it does not alter an amino acid residue and is not located wi thin the splice consensus sequence